The following is an entry in ClinVar:

NM_001005242.3(PKP2):c.290T>C (p.Phe97Ser)

Gene: PKP2 (plakophilin 2; minus strand). Cytogenetic location: 12p11.21.
Variant type: single nucleotide variant.
Coding change: c.290T>C on transcript NM_001005242.3 (MANE Select); coding-DNA position 290, T replaced by C.
Protein change: p.Phe97Ser; replaces phenylalanine 97 with serine.
Molecular consequence: missense variant. On other transcripts: 5 prime UTR variant (4).
Genome position (GRCh38, 1-based): chr12:32,878,966, A>G on the plus strand (T>C on the coding strand, the complement: PKP2 is on the minus strand). VCF-style: chr12-32878966-A-G. GRCh37 (hg19) VCF-style: chr12-33031900-A-G.
Other names: c.290T>C, p.Phe97Ser (NM_001407155.1, NM_001407156.1, NM_001407157.1 and 2 more transcripts); c.-38T>C (NM_001407158.1, NM_001407159.1, NM_001407160.1 and 1 more transcripts); short protein forms F97S.
Identifiers: ClinVar variation 4729792 (VCV004729792.1).
Genomic context (GRCh38, chr12:32,878,966, plus strand): 5'-CTTTGATATCCTACCTTTAGCATGTCATAGGTTTTAGGAACAGGGGAACGGCCTCCAACA[A>G]AATCATTTTCAACCAAGTGTAGGTTGTAGACATACTCAGGAACACTGCTGGTTCGGTGAA-3'
Protein context (NP_001005242.2, residues 87-107): VYNLHLVEND[Phe97Ser]VGGRSPVPKT

ClinVar aggregate classification (germline): Uncertain significance (1 of 4 stars; one submission).

Conditions:
Arrhythmogenic right ventricular dysplasia 9 (ARVD9). Also called: Arrhythmogenic Right Ventricular Dysplasia/Cardiomyopathy 9; ARRHYTHMOGENIC RIGHT VENTRICULAR DYSPLASIA, FAMILIAL, 9. Identifiers: MedGen C1836906, MONDO:0012180, OMIM 609040.

Submission:

Labcorp Genetics (formerly Invitae), Labcorp
Classification: Uncertain significance for Arrhythmogenic right ventricular dysplasia 9. Last evaluated: 2025-10-24. Review status: criteria provided, single submitter. Criteria: Invitae Variant Classification Sherloc (09022015). Collection method: clinical testing. Allele origin: germline.
Comment: This sequence change replaces phenylalanine, which is neutral and non-polar, with serine, which is neutral and polar, at codon 97 of the PKP2 protein (p.Phe97Ser). This variant is not present in population databases (gnomAD no frequency). This variant has not been reported in the literature in individuals affected with PKP2-related conditions. An algorithm developed to predict the effect of missense changes on protein structure and function (PolyPhen-2) suggests that this variant is likely to be disruptive. In summary, the available evidence is currently insufficient to determine the role of this variant in disease. Therefore, it has been classified as a Variant of Uncertain Significance.